The following is an entry in ClinVar:

NM_000352.6(ABCC8):c.1332+17G>C

Gene: ABCC8 (ATP binding cassette subfamily C member 8; minus strand). Cytogenetic location: 11p15.1.
Variant type: single nucleotide variant.
Coding change: c.1332+17G>C on transcript NM_000352.6 (MANE Select); 17 bases into the intron after coding-DNA position 1332, G replaced by C.
Molecular consequence: intron variant.
Genome position (GRCh38, 1-based): chr11:17,448,499, C>G on the plus strand (G>C on the coding strand, the complement: ABCC8 is on the minus strand). VCF-style: chr11-17448499-C-G. GRCh37 (hg19) VCF-style: chr11-17470046-C-G.
Other names: c.1329+17G>C (NM_001351297.2, NM_001351296.2); c.1332+17G>C (NM_001351295.2, NM_001287174.3).
Identifiers: ClinVar variation 35603 (VCV000035603.7), dbSNP rs193922395, ClinGen allele CA260101.
Genomic context (GRCh38, chr11:17,448,499, plus strand): 5'-AGTTACTGGCCATGGACCAGCAGATTCTGGTTGTGTGTCCTGCTGCCCCCCTCCCTTCCC[C>G]TCAGCCCATCTAGTACCTGTACTGGCATAGCCCAGAGGTTTGGGCACAAGAAGAAAAACC-3'

ClinVar aggregate classification (germline): Conflicting classifications of pathogenicity. Review status: criteria provided, conflicting classifications (1 of 4 stars). 4 submissions from 3 submitters: Uncertain significance (2); Likely benign (2). Last evaluated 2024-12-16.

Conditions:
Transitory neonatal diabetes mellitus. Also called: Transient neonatal diabetes mellitus. Identifiers: MedGen C0342273, MONDO:0020525, HP:0008255.
Maturity-onset diabetes of the young (MODY). Also called: Maturity onset diabetes mellitus in young. Identifiers: Orphanet 552, MedGen C0342276, MONDO:0018911, HP:0004904.

Submissions (4):

Women's Health and Genetics/Laboratory Corporation of America, LabCorp
Classification: Likely benign. Last evaluated: 2024-12-16. Review status: criteria provided, single submitter. Criteria: LabCorp Variant Classification Summary - May 2015. Collection method: clinical testing. Allele origin: germline.
Comment: Variant summary: ABCC8 c.1332+17G>C alters a non-conserved nucleotide located at a position not widely known to affect splicing. Consensus agreement among computation tools predict no significant impact on normal splicing (TrAP). However, these predictions have yet to be confirmed by functional studies. The variant was absent in 251430 control chromosomes. The available data on variant occurrences in the general population are insufficient to allow any conclusion about variant significance. To our knowledge, no occurrence of c.1332+17G>C in individuals affected with Congenital Hyperinsulinism and no experimental evidence demonstrating its impact on protein function have been reported. ClinVar contains an entry for this variant (Variation ID: 35603). Based on the evidence outlined above, the variant was classified as likely benign.

Labcorp Genetics (formerly Invitae), Labcorp
Classification: Likely benign. Last evaluated: 2023-09-17. Review status: criteria provided, single submitter. Criteria: Invitae Variant Classification Sherloc (09022015). Collection method: clinical testing. Allele origin: germline.

Clinical Genomics, Uppaluri K&H Personalized Medicine Clinic
Classification: Uncertain significance for Maturity-onset diabetes of the young. Review status: criteria provided, single submitter. Criteria: K & H Uppaluri Personalized Medicine Clinic Variant Classification & Assertion Criteria_Updated V.1. Collection method: research. Allele origin: unknown. Inheritance: Somatic mutation.
Comment: Mutations in ABCC8 gene are associated with both neonatal diabetes mellitus as well as MODY. Patients with this mutation may have a better response to sulfonylureas. However, no sufficient evidence is found to ascertain the role of this particular variant (rs193922395) in MODY yet.

Clinical Genomics, Uppaluri K&H Personalized Medicine Clinic
Classification: Uncertain significance for Transitory neonatal diabetes mellitus. Review status: criteria provided, single submitter. Criteria: K & H Uppaluri Personalized Medicine Clinic Variant Classification & Assertion Criteria_Updated V.1. Collection method: research. Allele origin: unknown. Inheritance: Somatic mutation.
Comment: Mutations in ABCC8 gene are associated with both neonatal diabetes mellitus as well as MODY. Patients with this mutation may have a better response to sulfonylureas. However, no sufficient evidence is found to ascertain the role of this particular variant (rs193922395) in neonatal diabetes yet.

Literature cited by the submitters: PubMed 16885549 (cited by Clinical Genomics, Uppaluri K&H Personalized Medicine Clinic); PubMed 21989597 (cited by Clinical Genomics, Uppaluri K&H Personalized Medicine Clinic); PubMed 27538677 (cited by Clinical Genomics, Uppaluri K&H Personalized Medicine Clinic); PubMed 18981553 (cited by Clinical Genomics, Uppaluri K&H Personalized Medicine Clinic); PubMed 32027066 (cited by Clinical Genomics, Uppaluri K&H Personalized Medicine Clinic); PubMed 16613899 (cited by Clinical Genomics, Uppaluri K&H Personalized Medicine Clinic); PubMed 18025408 (cited by Clinical Genomics, Uppaluri K&H Personalized Medicine Clinic); PubMed 32792356 (cited by Clinical Genomics, Uppaluri K&H Personalized Medicine Clinic).